The following is an entry in ClinVar:

NM_014874.4(MFN2):c.839G>A (p.Arg280His)

Gene: MFN2 (mitofusin 2; plus strand). Cytogenetic location: 1p36.22.
Variant type: single nucleotide variant.
Coding change: c.839G>A on transcript NM_014874.4 (MANE Select); coding-DNA position 839, G replaced by A.
Protein change: p.Arg280His; replaces arginine 280 with histidine.
Molecular consequence: missense variant.
Genome position (GRCh38, 1-based): chr1:12,001,423, G>A. VCF-style: chr1-12001423-G-A. GRCh37 (hg19) VCF-style: chr1-12061480-G-A.
Other names: chr1-12001423-G-A; c.839G>A, p.Arg280His (NM_001127660.2); short protein forms R280H.
Identifiers: ClinVar variation 2271 (VCV000002271.100), dbSNP rs28940294, ClinGen allele CA252151.

ClinVar aggregate classification (germline): Pathogenic/Likely pathogenic. Review status: criteria provided, multiple submitters, no conflicts (2 of 4 stars). 18 submissions from 18 submitters: Pathogenic (13); Likely pathogenic (1). 4 of the submissions do not count toward it. Last evaluated 2026-06-01.

Conditions:
Neuropathy, hereditary motor and sensory, type 6A (HMSN6A). Also called: NEUROPATHY, HEREDITARY MOTOR AND SENSORY, TYPE VIA; HMSN VIA; CHARCOT-MARIE-TOOTH DISEASE, TYPE 6A; NEUROPATHY, HEREDITARY MOTOR AND SENSORY, TYPE VIA, WITH OPTIC ATROPHY. Identifiers: MedGen CN305336, MONDO:0011002, OMIM 601152.
Charcot-Marie-Tooth disease, axonal, autosomal recessive, type 2a2b;. Also called: Charcot-Marie-Tooth disease, axonal, autosomal recessive, type 2A2B; Charcot-Marie-Tooth disease, axonal, type 2A2B. Identifiers: MedGen C4310725, MONDO:0014906, OMIM 617087.
Charcot-Marie-Tooth disease type 2A2. Also called: CHARCOT-MARIE-TOOTH DISEASE, AXONAL, AUTOSOMAL DOMINANT, TYPE 2A2A; CHARCOT-MARIE-TOOTH DISEASE, AXONAL, TYPE 2A2; CHARCOT-MARIE-TOOTH DISEASE, NEURONAL, TYPE 2A2; Charcot-Marie-Tooth Neuropathy Type 2A2; HEREDITARY MOTOR AND SENSORY NEUROPATHY IIA2; HMSN IIA2. Identifiers: Orphanet 99947, MedGen C4721887, MONDO:0012231, OMIM 609260.
MFN2-related disorder. Also called: MFN2-related disorders; MFN2-related condition.
Charcot-Marie-Tooth disease. Also called: Charcot-Marie-Tooth Hereditary Neuropathy; Charcot-Marie-Tooth Neuropathy. Identifiers: Orphanet 166, MedGen C0007959, MONDO:0015626.
Charcot-Marie-Tooth disease type 2. Also called: Charcot-Marie-Tooth type 2. Identifiers: Orphanet 64746, MedGen C0270914, MONDO:0018993.

Allele frequency attached by ClinVar (database versions not stated): gnomAD exomes below 0.00001; ExAC 0.00001.
gnomAD v4.1: 3 of 1,613,796 alleles (0.00019%); highest among the groups gnomAD compares: South Asian, 0.0011%; no homozygotes.

Submissions 1 to 12 of 18:

CeGaT Center for Human Genetics Tuebingen
Classification: Pathogenic. Last evaluated: 2026-06-01. Review status: criteria provided, single submitter. Criteria: CeGaT Center For Human Genetics Tuebingen Variant Classification Criteria Version 2. Collection method: clinical testing. Allele origin: germline. Affected: yes. Observed: 4 variant alleles.
Comment: MFN2: PP1:Strong, PS4, PM5, PM6:Supporting, PS3:Supporting

Labcorp Genetics (formerly Invitae), Labcorp
Classification: Pathogenic for Charcot-Marie-Tooth disease type 2. Last evaluated: 2026-01-11. Review status: criteria provided, single submitter. Criteria: Invitae Variant Classification Sherloc (09022015). Collection method: clinical testing. Allele origin: germline.
Comment: This sequence change replaces arginine, which is basic and polar, with histidine, which is basic and polar, at codon 280 of the MFN2 protein (p.Arg280His). The frequency data for this variant in the population databases is considered unreliable, as metrics indicate poor data quality at this position in the gnomAD database. This missense change has been observed in individuals with Charcot-Marie-Tooth disease (PMID: 15064763, 16835246, 24957169, 27088055, 27549087). It has also been observed to segregate with disease in related individuals. ClinVar contains an entry for this variant (Variation ID: 2271). Invitae Evidence Modeling of protein sequence and biophysical properties (such as structural, functional, and spatial information, amino acid conservation, physicochemical variation, residue mobility, and thermodynamic stability) has been performed for this missense variant. However, the output from this modeling did not meet the statistical confidence thresholds required to predict the impact of this variant on MFN2 protein function. Experimental studies have shown that this missense change affects MFN2 function (PMID: 17215403, 17296794). For these reasons, this variant has been classified as Pathogenic.

Clinical Omics and Informatics (COIN) Unit, Neuroscience Institute, University Of Cape Town
Classification: Pathogenic for Charcot-Marie-Tooth disease type 2A2. Last evaluated: 2024-05-22. Review status: criteria provided, single submitter. Criteria: ACMG Guidelines, 2015. Collection method: research. Allele origin: germline. Inheritance: Autosomal dominant inheritance. Affected: yes. Observed: 1 variant allele, 1 heterozygote.
Comment: PM2_supporting: The highest population allele frequency in gnomAD v4.0 is 0.00001160 (0.001%; 1/86188 alleles) in South asian population and 0.000001799 (0.0001%; 2/1111878) in the European non-Finnish population. PP1_strong: variant segregates with =3 informative meioses across =1 family (PMID: 16835246, 16714318, 24957169). PM1 met: variant occurs in the dynamin-like GTPase domain together with other pathogenic variants. PP3_moderate: Revel score is 0.92. PS3_supporting: functional studies provide supportive evidence that this variant has a damaging effect on the gene or gene product (PMID 17296794, PMID 17215403). PS4 met: variant identified in = 10 unrelated probands with consistent phenotype for disorder. PM5 met: MFN2 p.Arg280Pro classified as likely pathogenic.

Blueprint Genetics
Classification: Pathogenic for MFN2-related disorders. Last evaluated: 2023-06-07. Review status: criteria provided, single submitter. Criteria: ACMG Guidelines, 2015. Collection method: clinical testing. Allele origin: germline. Affected: yes. Observed: 2 variant alleles.

Kariminejad - Najmabadi Pathology & Genetics Center
Classification: Likely pathogenic for Charcot-Marie-Tooth disease type 2A2; Charcot-Marie-Tooth disease, axonal, autosomal recessive, type 2a2b;; Neuropathy, hereditary motor and sensory, type 6A. Last evaluated: 2023-04-19. Review status: criteria provided, single submitter. Criteria: ACMG Guidelines, 2015. Collection method: clinical testing. Allele origin: germline. Inheritance: Autosomal recessive inheritance. Affected: yes.
Comment: PM2-PM5-PP3-PP5-PP2

GeneDx
Classification: Pathogenic. Last evaluated: 2023-03-27. Review status: criteria provided, single submitter. Criteria: GeneDx Variant Classification Process June 2021. Collection method: clinical testing. Allele origin: germline. Affected: yes.
Comment: Published functional studies show that R280H alters mitochondrial fusion (Detmer et al., 2007); Not observed at significant frequency in large population cohorts (gnomAD); In silico analysis supports that this missense variant has a deleterious effect on protein structure/function; This variant is associated with the following publications: (PMID: 16835246, 22492563, 21149811, 17296794, 31832804, 32657593, 35153971, 30340945, 16714318, 19584314, 17215403, 10732809, 28286897, 27549087, 27863451, 28660751, 24957169, 27027447, 27088055, 30219582, 31211173, 31827005, 15064763, 33136338, 32376792, 35418194, 24863639)

3billion
Classification: Pathogenic for Charcot-Marie-Tooth disease type 2A2. Last evaluated: 2023-02-23. Review status: criteria provided, single submitter. Criteria: ACMG Guidelines, 2015. Collection method: clinical testing. Allele origin: unknown. Affected: yes.
Comment: The variant is observed at an extremely low frequency in the gnomAD v2.1.1 dataset (total allele frequency: <0.001%). Missense changes are a common disease-causing mechanism. In silico tool predictions suggest damaging effect of the variant on gene or gene product (REVEL: 0.92; 3Cnet: 0.97). Same nucleotide change resulting in same amino acid change (ClinVar ID: VCV000002271) and different missense changes at the same codon (p.Arg280Cys, p.Arg280Pro / ClinVar ID: VCV000245809, VCV000801444) have been previously reported as pathogenic/likely pathogenic with strong evidence. Therefore, this variant is classified as Pathogenic according to the recommendation of ACMG/AMP guideline.

Athena Diagnostics
Classification: Pathogenic. Last evaluated: 2022-09-27. Review status: criteria provided, single submitter. Criteria: Athena Diagnostics Criteria. Collection method: clinical testing. Allele origin: unknown.
Comment: The frequency of this variant in the general population is consistent with pathogenicity. (Genome Aggregation Database (gnomAD), Cambridge, MA (URL)) This variant has been identified in multiple unrelated individuals with clinical features associated with Charcot-Marie-Tooth disease and appears to be associated with disease in at least one family. This variant appears to occur de novo in multiple individuals with clinical features associated with Charcot-Marie-Tooth disease. Assessment of experimental evidence suggests this variant results in abnormal protein function. This variant inhibited mitochondrial fusion and caused abnormal clustering (PMID: 17215403, 17296794). The variant is located in a region that is considered important for protein function and/or structure.

Institute of Human Genetics Munich, TUM University Hospital
Classification: Pathogenic for Neuropathy, hereditary motor and sensory, type 6A. Last evaluated: 2022-06-28. Review status: criteria provided, single submitter. Criteria: Classification criteria August 2017. Collection method: clinical testing. Allele origin: germline, maternal. Inheritance: Autosomal dominant inheritance. Affected: yes. Observed: 2 variant alleles.

MGZ Medical Genetics Center
Classification: Pathogenic for Charcot-Marie-Tooth disease type 2A2. Last evaluated: 2021-12-07. Review status: criteria provided, single submitter. Criteria: ACMG Guidelines, 2015. Collection method: clinical testing. Allele origin: germline. Affected: yes. Observed: 1 variant allele.
Comment: ACMG criteria applied: PS3, PS4, PM2_SUP, PP1, PP3

Laboratório de Neurologia Aplicada e Experimental, Faculdade de Medicina de Ribeirao Preto – Universidade de Sao Paulo
Classification: Pathogenic for Charcot-Marie-Tooth disease type 2A2. Last evaluated: 2021-07-20. Review status: criteria provided, single submitter. Criteria: ACMG Guidelines, 2015. Collection method: research. Allele origin: germline. Inheritance: Autosomal dominant inheritance. Affected: yes. Observed: 1 heterozygote.

Institute of Medical Genetics and Applied Genomics, University Hospital Tübingen
Classification: Pathogenic. Last evaluated: 2020-10-23. Review status: criteria provided, single submitter. Criteria: ACMG Guidelines, 2015. Collection method: clinical testing. Allele origin: germline. Inheritance: Autosomal unknown. Affected: yes.